The following is an entry in ClinVar:

ClinVar aggregate classification (germline): Uncertain significance (1 of 4 stars; one submission).

Submission:

Labcorp Genetics (formerly Invitae), Labcorp
Classification: Uncertain significance. Last evaluated: 2025-08-20. Review status: criteria provided, single submitter. Criteria: Invitae Variant Classification Sherloc (09022015). Collection method: clinical testing. Allele origin: germline.
Comment: This sequence change replaces aspartic acid, which is acidic and polar, with glutamic acid, which is acidic and polar, at codon 754 of the GUCY2C protein (p.Asp754Glu). This variant is present in population databases (no rsID available, gnomAD 0.008%). This variant has not been reported in the literature in individuals affected with GUCY2C-related conditions. ClinVar contains an entry for this variant (Variation ID: 2870476). Invitae Evidence Modeling of protein sequence and biophysical properties (such as structural, functional, and spatial information, amino acid conservation, physicochemical variation, residue mobility, and thermodynamic stability) indicates that this missense variant is not expected to disrupt GUCY2C protein function with a negative predictive value of 80%. In summary, the available evidence is currently insufficient to determine the role of this variant in disease. Therefore, it has been classified as a Variant of Uncertain Significance.

NM_004963.4(GUCY2C):c.2262C>A (p.Asp754Glu)

Gene: GUCY2C (guanylate cyclase 2C; minus strand). Cytogenetic location: 12p12.3.
Variant type: single nucleotide variant.
Coding change: c.2262C>A on transcript NM_004963.4 (MANE Select); coding-DNA position 2262, C replaced by A.
Protein change: p.Asp754Glu; replaces aspartic acid 754 with glutamic acid.
Molecular consequence: missense variant.
Genome position (GRCh38, 1-based): chr12:14,625,903, G>T on the plus strand (C>A on the coding strand, the complement: GUCY2C is on the minus strand). VCF-style: chr12-14625903-G-T. GRCh37 (hg19) VCF-style: chr12-14778837-G-T.
Other names: short protein forms D754E.
Identifiers: ClinVar variation 2870476 (VCV002870476.3), dbSNP rs776680214, ClinGen allele CA383997796.